The following is an entry in ClinVar:

NM_020436.5(SALL4):c.962G>A (p.Arg321Gln)

Gene: SALL4 (spalt like transcription factor 4; minus strand). Cytogenetic location: 20q13.2.
Variant type: single nucleotide variant.
Coding change: c.962G>A on transcript NM_020436.5 (MANE Select); coding-DNA position 962, G replaced by A.
Protein change: p.Arg321Gln; replaces arginine 321 with glutamine.
Molecular consequence: missense variant.
Genome position (GRCh38, 1-based): chr20:51,791,521, C>T on the plus strand (G>A on the coding strand, the complement: SALL4 is on the minus strand). VCF-style: chr20-51791521-C-T. GRCh37 (hg19) VCF-style: chr20-50408060-C-T.
Other names: c.962G>A, p.Arg321Gln (NM_001318031.2); short protein forms R321Q.
Identifiers: ClinVar variation 3044972 (VCV003044972.2), dbSNP rs373872511, ClinGen allele CA315374662.

ClinVar aggregate classification (germline): Uncertain significance (0 of 4 stars; one submission).

Conditions:
SALL4-Related Disorders. Also called: SALL4-related disorder; SALL4-related condition. Identifiers: MedGen CN381056.

Allele frequency attached by ClinVar (database versions not stated): gnomAD exomes 0.00001; TOPMed 0.00001; ESP Exome Variant Server 0.00008.
gnomAD v4.1: 9 of 1,613,946 alleles (0.00056%); highest among the groups gnomAD compares: Middle Eastern, 0.017%; no homozygotes.

Submission:

PreventionGenetics, part of Exact Sciences
Classification: Uncertain significance for SALL4-related condition. Last evaluated: 2024-02-12. Review status: no assertion criteria provided. Collection method: clinical testing. Allele origin: germline.
Comment: The SALL4 c.962G>A variant is predicted to result in the amino acid substitution p.Arg321Gln. To our knowledge, this variant has not been reported in the literature. This variant is reported in 0.0054% of alleles in individuals of East Asian descent in gnomAD. At this time, the clinical significance of this variant is uncertain due to the absence of conclusive functional and genetic evidence.